The following is an entry in ClinVar:

ClinVar aggregate classification (germline): Pathogenic. Review status: reviewed by expert panel (3 of 4 stars). 12 submissions from 12 submitters: Pathogenic (1). 11 of the submissions do not count toward it. Last evaluated 2016-09-08.

Conditions:
Hereditary cancer-predisposing syndrome. Also called: Tumor predisposition; Neoplastic Syndromes, Hereditary; Hereditary Cancer Syndrome; Hereditary neoplastic syndrome. Identifiers: Orphanet 140162, MedGen C0027672, MeSH D009386, MONDO:0015356.
Hereditary breast ovarian cancer syndrome. Also called: Hereditary breast and ovarian cancer syndrome (HBOC); Hereditary breast and ovarian cancer syndrome; Hereditary breast and ovarian cancer; Hereditary breast and/or ovarian cancer syndrome; Breast and ovarian cancer; BRCA1- and BRCA2-Associated Hereditary Breast and Ovarian Cancer. Identifiers: Orphanet 145, MedGen C0677776, MeSH D061325, MONDO:0003582. Disease mechanism: loss of function.
Breast-ovarian cancer, familial, susceptibility to, 1 (BROVCA1). Also called: OVARIAN CANCER, SUSCEPTIBILITY TO; BRCA1 Hereditary Breast and Ovarian Cancer. Identifiers: Orphanet 145, MedGen C2676676, MONDO:0011450, OMIM 604370. Disease mechanism: loss of function.

Submissions (12):

Evidence-based Network for the Interpretation of Germline Mutant Alleles (ENIGMA)
Classification: Pathogenic for Breast-ovarian cancer, familial, susceptibility to, 1. Last evaluated: 2016-09-08. Review status: reviewed by expert panel. Criteria: ENIGMA BRCA1/2 Classification Criteria (2015). Collection method: curation. Allele origin: germline.
Comment: Variant allele predicted to encode a truncated non-functional protein.

Ambry Genetics
Classification: Pathogenic for Hereditary cancer-predisposing syndrome. Last evaluated: 2024-06-18. Review status: criteria provided, single submitter. Criteria: Ambry Variant Classification Scheme 2023. Collection method: clinical testing. Allele origin: germline. Not counted in ClinVar's aggregate classification.
Comment: The p.S510* pathogenic mutation (also known as c.1529C>G), located in coding exon 9 of the BRCA1 gene, results from a C to G substitution at nucleotide position 1529. This changes the amino acid from a serine to a stop codon within coding exon 9. This alteration was also identified in a large, worldwide study of BRCA1/2 mutation positive families (Rebbeck TR et al. Hum. Mutat., 2018 05;39:593-620). In addition to the information presented in the literature, this alteration is expected to result in loss of function by premature protein truncation or nonsense-mediated mRNA decay. As such, this alteration is interpreted as a disease-causing mutation.

Baylor Genetics
Classification: Pathogenic for Breast-ovarian cancer, familial, susceptibility to, 1. Last evaluated: 2023-09-19. Review status: criteria provided, single submitter. Criteria: ACMG Guidelines, 2015. Collection method: clinical testing. Allele origin: unknown. Not counted in ClinVar's aggregate classification.

Labcorp Genetics (formerly Invitae), Labcorp
Classification: Pathogenic for Hereditary breast ovarian cancer syndrome. Last evaluated: 2022-07-12. Review status: criteria provided, single submitter. Criteria: Invitae Variant Classification Sherloc (09022015). Collection method: clinical testing. Allele origin: germline. Not counted in ClinVar's aggregate classification.
Comment: This sequence change creates a premature translational stop signal (p.Ser510*) in the BRCA1 gene. It is expected to result in an absent or disrupted protein product. Loss-of-function variants in BRCA1 are known to be pathogenic (PMID: 20104584). This variant is not present in population databases (gnomAD no frequency). This premature translational stop signal has been observed in individual(s) with hereditary breast and ovarian cancer (PMID: 8880569, 16683254, 22762150, 24285858, 29446198, 30702160). This variant is also known as 1648C>G. ClinVar contains an entry for this variant (Variation ID: 54286). For these reasons, this variant has been classified as Pathogenic.

Color Diagnostics, LLC DBA Color Health
Classification: Pathogenic for Hereditary cancer-predisposing syndrome. Last evaluated: 2020-05-01. Review status: criteria provided, single submitter. Criteria: ACMG Guidelines, 2015. Collection method: clinical testing. Allele origin: germline. Not counted in ClinVar's aggregate classification.
Comment: This variant changes 1 nucleotide in exon 10 of the BRCA1 gene, creating a premature translation stop signal. This variant is expected to result in an absent or non-functional protein product. This variant has been reported in an individual affected with breast cancer (PMID: 20104584). This variant has not been identified in the general population by the Genome Aggregation Database (gnomAD). Loss of BRCA1 function is a known mechanism of disease. Based on the available evidence, this variant is classified as Pathogenic.

Consortium of Investigators of Modifiers of BRCA1/2 (CIMBA), c/o University of Cambridge
Classification: Pathogenic for Breast-ovarian cancer, familial, susceptibility to, 1. Last evaluated: 2015-10-02. Review status: criteria provided, single submitter. Criteria: CIMBA Mutation Classification guidelines May 2016. Collection method: clinical testing. Allele origin: germline. Not counted in ClinVar's aggregate classification.

BRCAlab, Lund University
Classification: Pathogenic for Breast-ovarian cancer, familial, susceptibility to, 1. Last evaluated: 2020-03-02. Review status: no assertion criteria provided. Collection method: clinical testing. Allele origin: germline. Affected: yes. Not counted in ClinVar's aggregate classification.

Breast Cancer Information Core (BIC) (BRCA1)
Classification: Pathogenic for Breast-ovarian cancer, familial 1. Last evaluated: 2002-05-29. Review status: no assertion criteria provided. Collection method: clinical testing. Allele origin: germline. Affected: yes. Observed: 8 variant alleles. Not counted in ClinVar's aggregate classification.

Clinical Genetics DNA and cytogenetics Diagnostics Lab, Erasmus MC, Erasmus Medical Center
Classification: Pathogenic. Review status: no assertion criteria provided. Collection method: clinical testing. Allele origin: germline. Affected: yes. Study: VKGL Data-share Consensus. Not counted in ClinVar's aggregate classification.

Diagnostic Laboratory, Department of Genetics, University Medical Center Groningen
Classification: Pathogenic for Breast-ovarian cancer, familial, susceptibility to, 1. Review status: no assertion criteria provided. Collection method: clinical testing. Allele origin: germline. Affected: yes. Study: VKGL Data-share Consensus. Not counted in ClinVar's aggregate classification.

Genome Diagnostics Laboratory, University Medical Center Utrecht
Classification: Pathogenic. Review status: no assertion criteria provided. Collection method: clinical testing. Allele origin: germline. Affected: yes. Study: VKGL Data-share Consensus. Not counted in ClinVar's aggregate classification.

Joint Genome Diagnostic Labs from Nijmegen and Maastricht, Radboudumc and MUMC+
Classification: Pathogenic. Review status: no assertion criteria provided. Collection method: clinical testing. Allele origin: germline. Affected: yes. Study: VKGL Data-share Consensus. Not counted in ClinVar's aggregate classification.

Literature cited by the submitters: PubMed 25525159 (cited by Ambry Genetics); PubMed 29446198 (cited by Ambry Genetics and Labcorp Genetics (formerly Invitae), Labcorp); PubMed 8880569 (cited by Ambry Genetics and Labcorp Genetics (formerly Invitae), Labcorp); PubMed 20104584 (cited by Labcorp Genetics (formerly Invitae), Labcorp); PubMed 16683254 (cited by Labcorp Genetics (formerly Invitae), Labcorp); PubMed 22762150 (cited by Labcorp Genetics (formerly Invitae), Labcorp); PubMed 24285858 (cited by Labcorp Genetics (formerly Invitae), Labcorp); PubMed 30702160 (cited by Labcorp Genetics (formerly Invitae), Labcorp).

NM_007294.4(BRCA1):c.1529C>G (p.Ser510Ter)

Gene: BRCA1 (BRCA1 DNA repair associated; minus strand). Cytogenetic location: 17q21.31.
Variant type: single nucleotide variant.
Coding change: c.1529C>G on transcript NM_007294.4 (MANE Select); coding-DNA position 1529, C replaced by G.
Protein change: p.Ser510Ter; replaces serine 510 with a stop codon.
Molecular consequence: nonsense. On other transcripts: intron variant (137).
Genome position (GRCh38, 1-based): chr17:43,094,002, G>C on the plus strand (C>G on the coding strand, the complement: BRCA1 is on the minus strand). VCF-style: chr17-43094002-G-C. GRCh37 (hg19) VCF-style: chr17-41246019-G-C.
Other names: c.1262C>G, p.Ser421Ter (NM_001407930.1, NM_001407931.1, NM_001407932.1 and 2 more transcripts); c.1265C>G, p.Ser422Ter (NM_001407933.1, NM_001407935.1, NM_001407920.1 and 9 more transcripts); c.1406C>G, p.Ser469Ter (NM_001407937.1, NM_001407938.1, NM_001407939.1 and 19 more transcripts); c.1403C>G, p.Ser468Ter (NM_001407940.1, NM_001407941.1, NM_001407649.1 and 11 more transcripts); c.1388C>G, p.Ser463Ter (NM_001407942.1, NM_001407944.1, NM_001407945.1 and 29 more transcripts); c.1385C>G, p.Ser462Ter (NM_001407943.1, NM_001407964.1, NM_001407740.1 and 20 more transcripts); c.1196C>G, p.Ser399Ter (NM_001407946.1, NM_001407947.1, NM_001407948.1 and 6 more transcripts); c.1193C>G, p.Ser398Ter (NM_001407954.1, NM_001407955.1, NM_001407956.1 and 1 more transcripts); and 40 more; short protein forms S510*, S463*, S399*, S442*, S462*, S468*, S507*, S342*.
Identifiers: ClinVar variation 54286 (VCV000054286.25), dbSNP rs80357427, ClinGen allele CA001030.